The following is an entry in ClinVar:

ClinVar aggregate classification (germline): Uncertain significance (1 of 4 stars; one submission).

Submission:

Women's Health and Genetics/Laboratory Corporation of America, LabCorp
Classification: Uncertain significance. Last evaluated: 2023-11-06. Review status: criteria provided, single submitter. Criteria: LabCorp Variant Classification Summary - May 2015. Collection method: clinical testing. Allele origin: germline.
Comment: Variant summary: The variant involves the duplication of exon 23 in the CFTR gene. A presumed nomenclature of c.(3717+1_3718-1)_(3873+1_3874-1)dup has been designated for the purposes of this classification. It is assumed to be a tandem duplication in direct orientation (Richardson_GIM_2018, Newman_AJHG_2015). This Copy Number Variant (CNV) is predicted to result in an in-frame duplication within this gene. The variant was absent in 21694 control chromosomes. The available data on variant occurrences in the general population are insufficient to allow any conclusion about variant significance. To our knowledge, no occurrence of c.(3717+1_3718-1)_(3873+1_3874-1)dup in individuals affected with Cystic Fibrosis and no experimental evidence demonstrating its impact on protein function have been reported. No submitters have cited clinical-significance assessments for this variant to ClinVar after 2014. Based on the evidence outlined above, the variant was classified as uncertain significance.

NC_000007.13:g.(117267825_117282491)_(117282648_117292895)dup

Gene: CFTR (CF transmembrane conductance regulator; plus strand). Cytogenetic location: 7q31.2.
Variant type: Duplication.
Identifiers: ClinVar variation 2682343 (VCV002682343.1).